The following is an entry in ClinVar:

ClinVar aggregate classification (germline): Uncertain significance. Review status: criteria provided, multiple submitters, no conflicts (2 of 4 stars). 2 submissions from 2 submitters: Uncertain significance (2). Last evaluated 2026-08-06.

Conditions:
Ectodermal dysplasia 15, hypohidrotic/hair type. Identifiers: MedGen C5193145, MONDO:0032804, OMIM 618535.

gnomAD v4.1: 25 of 1,613,966 alleles (0.0015%); highest among the groups gnomAD compares: Admixed American, 0.022%; no homozygotes.

Submissions (2):

OLLIN Analises Genomicas, OLLIN
Classification: Uncertain significance for Ectodermal dysplasia 15, hypohidrotic/hair type. Last evaluated: 2026-08-06. Review status: criteria provided, single submitter. Criteria: ACMG Guidelines 2015 PMID 25741868. Collection method: clinical testing. Allele origin: germline.
Comment: This missense variant, located in exon 3 (of 3), has been reported in ClinVar (accession VCV003497975.1) and in gnomAD with an allele frequency of 0.0015%. However, to our knowledge, it has not been reported in the scientific literature. In silico analysis predicts that this variant has a tolerated effect. According to the currently available evidence, this variant has been classified as uncertain significance (PM2_P, BP4_M).

Ambry Genetics
Classification: Uncertain significance. Last evaluated: 2024-10-16. Review status: criteria provided, single submitter. Criteria: Ambry Variant Classification Scheme 2023. Collection method: clinical testing. Allele origin: germline.

NM_001323.4(CST6):c.373C>T (p.Arg125Cys)

Gene: CST6 (cystatin E/M; plus strand). Cytogenetic location: 11q13.1.
Variant type: single nucleotide variant.
Coding change: c.373C>T on transcript NM_001323.4 (MANE Select); coding-DNA position 373, C replaced by T.
Protein change: p.Arg125Cys; replaces arginine 125 with cysteine.
Molecular consequence: missense variant.
Genome position (GRCh38, 1-based): chr11:66,013,323, C>T. VCF-style: chr11-66013323-C-T. GRCh37 (hg19) VCF-style: chr11-65780794-C-T.
Other names: short protein forms R125C.
Identifiers: ClinVar variation 3497975 (VCV003497975.2).